The following is an entry in ClinVar:

ClinVar aggregate classification (germline): Uncertain significance. Review status: criteria provided, multiple submitters, no conflicts (2 of 4 stars). 2 submissions from 2 submitters: Uncertain significance (2). Last evaluated 2026-08-05.

Conditions:
TTC21B-related disorder. Also called: TTC21B-related condition; TTC21B-related disorders.
Nephronophthisis. Also called: Juvenile Nephronophthisis. Identifiers: Orphanet 655, MedGen C0687120, MONDO:0019005, HP:0000090.
Jeune thoracic dystrophy. Also called: Jeune syndrome; Infantile thoracic dystrophy; Thoracic pelvic phalangeal dystrophy; Jeune's syndrome; Chondroectodermal dysplasia-like syndrome; Short-rib thoracic dysplasia. Identifiers: Orphanet 474, MedGen C0265275, MONDO:0018770.

Allele frequency attached by ClinVar (database versions not stated): ExAC 0.00001; gnomAD 0.00001.
gnomAD v4.1: 15 of 1,611,484 alleles (0.00093%); highest among the groups gnomAD compares: Non-Finnish European, 0.0012%; no homozygotes.

Submissions (2):

PreventionGenetics, part of Exact Sciences
Classification: Uncertain significance for TTC21B-related condition. Last evaluated: 2026-08-05. Review status: criteria provided, single submitter. Criteria: ACMG Guidelines, 2015. Collection method: clinical testing. Allele origin: germline.
Comment: The TTC21B c.40T>C variant is predicted to result in the amino acid substitution p.Cys14Arg. This variant was reported, along with a second missense variant, in an individual with nephrotic syndrome (Bezdíčka et al. 2021. PubMed ID: 34805047). This variant is reported in 0.00091% of alleles in individuals of European (Non-Finnish) descent in gnomAD. At this time, the clinical significance of this variant is uncertain due to the absence of conclusive functional and genetic evidence.

Labcorp Genetics (formerly Invitae), Labcorp
Classification: Uncertain significance for Jeune thoracic dystrophy; Nephronophthisis. Last evaluated: 2022-03-29. Review status: criteria provided, single submitter. Criteria: Invitae Variant Classification Sherloc (09022015). Collection method: clinical testing. Allele origin: germline.
Comment: This sequence change replaces cysteine, which is neutral and slightly polar, with arginine, which is basic and polar, at codon 14 of the TTC21B protein (p.Cys14Arg). This variant is present in population databases (rs780354129, gnomAD 0.0009%). This variant has not been reported in the literature in individuals affected with TTC21B-related conditions. Algorithms developed to predict the effect of missense changes on protein structure and function are either unavailable or do not agree on the potential impact of this missense change (SIFT: "Deleterious"; PolyPhen-2: "Probably Damaging"; Align-GVGD: "Class C0"). In summary, the available evidence is currently insufficient to determine the role of this variant in disease. Therefore, it has been classified as a Variant of Uncertain Significance.

NM_024753.5(TTC21B):c.40T>C (p.Cys14Arg)

Gene: TTC21B (tetratricopeptide repeat domain 21B; minus strand). Cytogenetic location: 2q24.3.
Variant type: single nucleotide variant.
Coding change: c.40T>C on transcript NM_024753.5 (MANE Select); coding-DNA position 40, T replaced by C.
Protein change: p.Cys14Arg; replaces cysteine 14 with arginine.
Molecular consequence: missense variant.
Genome position (GRCh38, 1-based): chr2:165,949,706, A>G on the plus strand (T>C on the coding strand, the complement: TTC21B is on the minus strand). VCF-style: chr2-165949706-A-G. GRCh37 (hg19) VCF-style: chr2-166806216-A-G.
Other names: c.40T>C (NM_024753.4); short protein forms C14R.
Identifiers: ClinVar variation 2057635 (VCV002057635.2), dbSNP rs780354129, ClinGen allele CA1942569.
Genomic context (GRCh38, chr2:165,949,706, plus strand): 5'-CATACCTCTTAATTCCTTCACTGGCAACCAGTAATACATGATGGAAATATCTCTCTTGAC[A>G]ATAGTAATTAATCAAAGTCTAAATGGAAATAATGAAAAAATGTTATAAAGGAATTCTGGT-3'
Protein context (NP_079029.3, residues 4-24): QELKTLINYY[Cys14Arg]QERYFHHVLL